The following is an entry in ClinVar:

NM_018942.3(HMX1):c.224C>G (p.Thr75Ser)

Gene: HMX1 (H6 family homeobox 1; minus strand). Cytogenetic location: 4p16.1.
Variant type: single nucleotide variant.
Coding change: c.224C>G on transcript NM_018942.3 (MANE Select); coding-DNA position 224, C replaced by G.
Protein change: p.Thr75Ser; replaces threonine 75 with serine.
Molecular consequence: missense variant.
Genome position (GRCh38, 1-based): chr4:8,871,391, G>C on the plus strand (C>G on the coding strand, the complement: HMX1 is on the minus strand). VCF-style: chr4-8871391-G-C. GRCh37 (hg19) VCF-style: chr4-8873117-G-C.
Other names: c.224C>G, p.Thr75Ser (NM_001306142.2); short protein forms T75S.
Identifiers: ClinVar variation 849902 (VCV000849902.7), dbSNP rs1722214838, ClinGen allele CA356279077.

ClinVar aggregate classification (germline): Uncertain significance (1 of 4 stars; one submission).

Allele frequency attached by ClinVar (database versions not stated): gnomAD 0.00001; gnomAD exomes 0.00001.
gnomAD v4.1: 12 of 1,249,162 alleles (0.00096%); highest among the groups gnomAD compares: Non-Finnish European, 0.0011%; no homozygotes.

Submission:

Labcorp Genetics (formerly Invitae), Labcorp
Classification: Uncertain significance. Last evaluated: 2021-08-26. Review status: criteria provided, single submitter. Criteria: Invitae Variant Classification Sherloc (09022015). Collection method: clinical testing. Allele origin: germline.
Comment: This sequence change replaces threonine with serine at codon 75 of the HMX1 protein (p.Thr75Ser). The threonine residue is weakly conserved and there is a small physicochemical difference between threonine and serine. The frequency data for this variant in the population databases is considered unreliable, as metrics indicate insufficient coverage at this position in the ExAC database. This variant has not been reported in the literature in individuals affected with HMX1-related conditions. Algorithms developed to predict the effect of missense changes on protein structure and function output the following: SIFT: "Tolerated"; PolyPhen-2: "Not Available"; Align-GVGD: "Class C0". The serine amino acid residue is found in multiple mammalian species, which suggests that this missense change does not adversely affect protein function. Algorithms developed to predict the effect of sequence changes on RNA splicing suggest that this variant may create or strengthen a splice site. In summary, the available evidence is currently insufficient to determine the role of this variant in disease. Therefore, it has been classified as a Variant of Uncertain Significance.